The following is an entry in ClinVar:

ClinVar aggregate classification (germline): Uncertain significance. Review status: criteria provided, single submitter (1 of 4 stars). 2 submissions from 2 submitters: Uncertain significance (1). 1 of the submissions does not count toward it. Last evaluated 2022-06-13.

Conditions:
Neuromuscular disease caused by qualitative or quantitative defects of dysferlin. Also called: Dysferlinopathy; Qualitative or quantitative defects of dysferlin. Identifiers: Orphanet 207073, MedGen C2931687, MONDO:0016145.
Autosomal recessive limb-girdle muscular dystrophy type 2B (LGMDR2). Also called: Limb-girdle muscular dystrophy, type 2B; MUSCULAR DYSTROPHY, LIMB-GIRDLE, TYPE 3; Limb-Girdle Muscular Dystrophy Type 2B (LGMD2B); MUSCULAR DYSTROPHY, LIMB-GIRDLE, AUTOSOMAL RECESSIVE 2. Identifiers: Orphanet 268, MedGen C1850889, MONDO:0009676, OMIM 253601.

Allele frequency attached by ClinVar (database versions not stated): TOPMed below 0.00001; gnomAD exomes 0.00002 and 0.00004; ExAC 0.00004.
gnomAD v4.1: 12 of 1,613,706 alleles (0.00074%); highest among the groups gnomAD compares: Admixed American, 0.02%; no homozygotes.

Submissions (2):

Labcorp Genetics (formerly Invitae), Labcorp
Classification: Uncertain significance for Neuromuscular disease caused by qualitative or quantitative defects of dysferlin. Last evaluated: 2022-06-13. Review status: criteria provided, single submitter. Criteria: Invitae Variant Classification Sherloc (09022015). Collection method: clinical testing. Allele origin: germline.
Comment: This sequence change affects codon 1335 of the DYSF mRNA. It is a 'silent' change, meaning that it does not change the encoded amino acid sequence of the DYSF protein. This variant also falls at the last nucleotide of exon 37, which is part of the consensus splice site for this exon. This variant is present in population databases (rs773542731, gnomAD 0.03%). This variant has not been reported in the literature in individuals affected with DYSF-related conditions. ClinVar contains an entry for this variant (Variation ID: 538635). Variants that disrupt the consensus splice site are a relatively common cause of aberrant splicing (PMID: 17576681, 9536098). Algorithms developed to predict the effect of sequence changes on RNA splicing suggest that this variant is not likely to affect RNA splicing. In summary, the available evidence is currently insufficient to determine the role of this variant in disease. Therefore, it has been classified as a Variant of Uncertain Significance.

Natera, Inc.
Classification: Uncertain significance for Limb-girdle muscular dystrophy type 2B. Last evaluated: 2019-10-28. Review status: no assertion criteria provided. Collection method: clinical testing. Allele origin: germline. Not counted in ClinVar's aggregate classification.

Literature cited by the submitters: PubMed 17576681 (cited by Labcorp Genetics (formerly Invitae), Labcorp); PubMed 9536098 (cited by Labcorp Genetics (formerly Invitae), Labcorp).

NM_001130987.2(DYSF):c.4059G>A (p.Glu1353=)

Gene: DYSF (dysferlin; plus strand). Cytogenetic location: 2p13.2.
Variant type: single nucleotide variant.
Coding change: c.4059G>A on transcript NM_001130987.2 (MANE Select); coding-DNA position 4059, G replaced by A.
Protein change: p.Glu1353=; no amino-acid change (glutamic acid 1353 retained).
Molecular consequence: synonymous variant.
Genome position (GRCh38, 1-based): chr2:71,611,346, G>A. VCF-style: chr2-71611346-G-A. GRCh37 (hg19) VCF-style: chr2-71838476-G-A.
Other names: c.4008G>A, p.Glu1336= (NM_001130455.2, NM_001130983.2); c.3963G>A, p.Glu1321= (NM_001130976.2, NM_001130977.2); c.4005G>A, p.Glu1335= (NM_001130978.2, NM_003494.4); c.4098G>A, p.Glu1366= (NM_001130979.2); c.4056G>A, p.Glu1352= (NM_001130980.2, NM_001130981.2); c.4101G>A, p.Glu1367= (NM_001130982.2); c.3966G>A, p.Glu1322= (NM_001130984.2, NM_001130986.2); c.4059G>A, p.Glu1353= (NM_001130985.2).
Identifiers: ClinVar variation 538635 (VCV000538635.6), dbSNP rs773542731, ClinGen allele CA1706855.